The following is an entry in ClinVar:

NM_005751.5(AKAP9):c.11351G>A (p.Arg3784Gln)

Gene: AKAP9 (A-kinase anchoring protein 9; plus strand). Cytogenetic location: 7q21.2.
Variant type: single nucleotide variant.
Coding change: c.11351G>A on transcript NM_005751.5 (MANE Select); coding-DNA position 11351, G replaced by A.
Protein change: p.Arg3784Gln; replaces arginine 3784 with glutamine.
Molecular consequence: missense variant.
Genome position (GRCh38, 1-based): chr7:92,105,698, G>A. VCF-style: chr7-92105698-G-A. GRCh37 (hg19) VCF-style: chr7-91735012-G-A.
Other names: c.5996G>A, p.Arg1999Gln (NM_001379277.1); c.11327G>A, p.Arg3776Gln (NM_147185.3); short protein forms R3784Q, R1999Q, R3776Q.
Identifiers: ClinVar variation 943375 (VCV000943375.10), dbSNP rs148635511, ClinGen allele CA4338176.

ClinVar aggregate classification (germline): Uncertain significance. Review status: criteria provided, multiple submitters, no conflicts (2 of 4 stars). 2 submissions from 2 submitters: Uncertain significance (2). Last evaluated 2025-10-22.

Conditions:
Long QT syndrome 11 (LQT11). Identifiers: Orphanet 101016, Orphanet 768, MedGen C2678483, MONDO:0012738, OMIM 611820.
Long QT syndrome (LQTS). Identifiers: MedGen C0023976, MeSH D008133, MONDO:0002442. Disease mechanism: loss of function. Inheritance: Various modes of inheritance.

Allele frequency attached by ClinVar (database versions not stated): gnomAD exomes 0.00004 and 0.00001; gnomAD 0.00005 and 0.00006; ExAC 0.00007; ESP Exome Variant Server 0.00008; TOPMed 0.00008.
gnomAD v4.1: 18 of 1,613,994 alleles (0.0011%); highest among the groups gnomAD compares: African/African-American, 0.012%; no homozygotes.

Submissions (2):

Labcorp Genetics (formerly Invitae), Labcorp
Classification: Uncertain significance for Long QT syndrome. Last evaluated: 2025-10-22. Review status: criteria provided, single submitter. Criteria: Invitae Variant Classification Sherloc (09022015). Collection method: clinical testing. Allele origin: germline.
Comment: This sequence change replaces arginine, which is basic and polar, with glutamine, which is neutral and polar, at codon 3784 of the AKAP9 protein (p.Arg3784Gln). This variant is present in population databases (rs148635511, gnomAD 0.04%). This variant has not been reported in the literature in individuals affected with AKAP9-related conditions. ClinVar contains an entry for this variant (Variation ID: 943375). An algorithm developed to predict the effect of missense changes on protein structure and function (PolyPhen-2) suggests that this variant is likely to be disruptive. Algorithms developed to predict the effect of sequence changes on RNA splicing suggest that this variant may disrupt the consensus splice site. In summary, the available evidence is currently insufficient to determine the role of this variant in disease. Therefore, it has been classified as a Variant of Uncertain Significance.

Fulgent Genetics
Classification: Uncertain significance for Long QT syndrome 11. Last evaluated: 2021-09-29. Review status: criteria provided, single submitter. Criteria: ACMG Guidelines, 2015. Collection method: clinical testing. Allele origin: unknown.